The following is an entry in ClinVar:

NM_000135.4(FANCA):c.1279A>G (p.Met427Val)

Gene: FANCA (FA complementation group A; minus strand). Cytogenetic location: 16q24.3.
Variant type: single nucleotide variant.
Coding change: c.1279A>G on transcript NM_000135.4 (MANE Select); coding-DNA position 1279, A replaced by G.
Protein change: p.Met427Val; replaces methionine 427 with valine.
Molecular consequence: missense variant.
Genome position (GRCh38, 1-based): chr16:89,791,483, T>C on the plus strand (A>G on the coding strand, the complement: FANCA is on the minus strand). VCF-style: chr16-89791483-T-C. GRCh37 (hg19) VCF-style: chr16-89857891-T-C.
Other names: c.1279A>G (NM_000135.2, NM_000135.3); c.1279A>G, p.Met427Val (NM_001286167.3); short protein forms M427V.
Identifiers: ClinVar variation 1023721 (VCV001023721.11), dbSNP rs368103890, ClinGen allele CA8252416.
Genomic context (GRCh38, chr16:89,791,483, plus strand): 5'-ACAGGAACGCAGAGGGGCCCTCCAGTGCTGCCTGGCGCACAACCAGGAACGCAGTGACCA[T>C]GCTGTCCAGCTGGCAGCTCTCGAATGCCTGGGCCATCAAACGCGCCACCCAGTCTAGTTA-3'
Protein context (NP_000126.2, residues 417-437): QAFESCQLDS[Met427Val]VTAFLVVRQA

ClinVar aggregate classification (germline): Uncertain significance. Review status: criteria provided, multiple submitters, no conflicts (2 of 4 stars). 6 submissions from 6 submitters: Uncertain significance (5). 1 of the submissions does not count toward it. Last evaluated 2025-11-07.

Conditions:
Fanconi anemia (FA). Also called: Fanconi's anemia. Identifiers: Orphanet 84, MedGen C0015625, MeSH D005199, MONDO:0019391.
Fanconi anemia complementation group A (FANCA). Also called: FANCA-Related Fanconi Anemia; Fanconi anemia, group A. Identifiers: Orphanet 84, MedGen C3469521, MONDO:0009215, OMIM 227650.

Allele frequency attached by ClinVar (database versions not stated): gnomAD 0.00001; TOPMed 0.00001; ExAC 0.00002; gnomAD exomes 0.00002 and 0.00003; ESP Exome Variant Server 0.00008.
gnomAD v4.1: 42 of 1,614,038 alleles (0.0026%); highest among the groups gnomAD compares: Non-Finnish European, 0.0036%; 1 homozygote.

Submissions (6):

Quest Diagnostics Nichols Institute San Juan Capistrano
Classification: Uncertain significance. Last evaluated: 2025-11-07. Review status: criteria provided, single submitter. Criteria: Quest Diagnostics criteria. Collection method: clinical testing. Allele origin: unknown.
Comment: The FANCA c.1279A>G (p.Met427Val) variant has been reported in the published literature in an individual with duodenal adenocarcinoma (PMID: 28767289 (2017)). The frequency of this variant in the general population (Genome Aggregation Database) is uninformative in the assessment of its pathogenicity. Analysis of this variant using bioinformatics tools for the prediction of the effect of amino acid changes on protein structure and function yielded conflicting predictions that this variant is benign or damaging. Based on the available information, we are unable to determine the clinical significance of this variant.

Labcorp Genetics (formerly Invitae), Labcorp
Classification: Uncertain significance for Fanconi anemia. Last evaluated: 2024-09-29. Review status: criteria provided, single submitter. Criteria: Invitae Variant Classification Sherloc (09022015). Collection method: clinical testing. Allele origin: germline.
Comment: This sequence change replaces methionine, which is neutral and non-polar, with valine, which is neutral and non-polar, at codon 427 of the FANCA protein (p.Met427Val). This variant is present in population databases (rs368103890, gnomAD 0.005%). This missense change has been observed in individual(s) with pancreatic cancer (PMID: 28767289). ClinVar contains an entry for this variant (Variation ID: 1023721). Invitae Evidence Modeling of protein sequence and biophysical properties (such as structural, functional, and spatial information, amino acid conservation, physicochemical variation, residue mobility, and thermodynamic stability) has been performed for this missense variant. However, the output from this modeling did not meet the statistical confidence thresholds required to predict the impact of this variant on FANCA protein function. In summary, the available evidence is currently insufficient to determine the role of this variant in disease. Therefore, it has been classified as a Variant of Uncertain Significance.

Baylor Genetics
Classification: Uncertain significance for Fanconi anemia complementation group A. Last evaluated: 2023-08-22. Review status: criteria provided, single submitter. Criteria: ACMG Guidelines, 2015. Collection method: clinical testing. Allele origin: unknown.

St. Jude Molecular Pathology, St. Jude Children's Research Hospital
Classification: Uncertain significance for Fanconi anemia complementation group A. Last evaluated: 2022-09-08. Review status: criteria provided, single submitter. Criteria: St. Jude Assertion Criteria 2020. Collection method: clinical testing. Allele origin: germline.
Comment: The FANCA c.1279A>G (p.Met427Val) missense change has a maximum subpopulation frequency of 0.0044% in gnomAD v2.1.1. The in silico tool REVEL is inconclusive about a pathogenic or benign effect of this variant on protein function, and to our knowledge functional studies have not been performed. This variant has been reported as heterozygous in an individual with duodenal adenocarcinoma (PMID: 28767289). To our knowledge, this variant has not been reported in individuals with Fanconi anemia. In summary, the evidence currently available is insufficient to determine the clinical significance of this variant. It has therefore been classified as of uncertain significance.

Blueprint Genetics
Classification: Uncertain significance. Last evaluated: 2018-09-10. Review status: criteria provided, single submitter. Criteria: ACMG Guidelines, 2015. Collection method: clinical testing. Allele origin: germline.

Natera, Inc.
Classification: Uncertain significance for Fanconi anemia. Last evaluated: 2020-03-03. Review status: no assertion criteria provided. Collection method: clinical testing. Allele origin: germline. Not counted in ClinVar's aggregate classification.

Literature cited by the submitters: PubMed 28767289 (cited by Quest Diagnostics Nichols Institute San Juan Capistrano and Labcorp Genetics (formerly Invitae), Labcorp).